The following is an entry in ClinVar:

NM_007272.3(CTRC):c.649G>C (p.Gly217Arg)

Gene: CTRC (chymotrypsin C; plus strand). Cytogenetic location: 1p36.21.
Variant type: single nucleotide variant.
Coding change: c.649G>C on transcript NM_007272.3 (MANE Select); coding-DNA position 649, G replaced by C.
Protein change: p.Gly217Arg; replaces glycine 217 with arginine.
Molecular consequence: missense variant.
Genome position (GRCh38, 1-based): chr1:15,445,606, G>C. VCF-style: chr1-15445606-G-C. GRCh37 (hg19) VCF-style: chr1-15772101-G-C.
Other names: p.Gly217Arg; short protein forms G217R.
Identifiers: ClinVar variation 420177 (VCV000420177.13), dbSNP rs202058123, ClinGen allele CA16616982.
Genomic context (GRCh38, chr1:15,445,606, plus strand): 5'-ACTTCCTCTGGGGGGGGGCCTGGTGGCTTATGCCCTCCCGGTCTGGTGCAGGGGGACTCC[G>C]GTGGCCCACTGAACTGCCAGTTGGAGAACGGTTCCTGGGAGGTGTTTGGCATCGTCAGCT-3'
Protein context (NP_009203.2, residues 207-227): GVISACNGDS[Gly217Arg]GPLNCQLENG

ClinVar aggregate classification (germline): Conflicting classifications of pathogenicity. Review status: criteria provided, conflicting classifications (1 of 4 stars). 5 submissions from 5 submitters: Pathogenic (1); Likely pathogenic (3); Uncertain significance (1). Last evaluated 2025-09-10.

Conditions:
CTRC-related disorder. Also called: CTRC-related condition.
Hereditary pancreatitis (PCTT). Also called: Hereditary chronic pancreatitis; PRSS1-Related Hereditary Pancreatitis. Identifiers: Orphanet 676, MedGen C0238339, MONDO:0008185, OMIM 167800.

Allele frequency attached by ClinVar (database versions not stated): TOPMed 0.00001.
gnomAD v4.1: 6 of 1,614,072 alleles (0.00037%); highest among the groups gnomAD compares: Non-Finnish European, 0.00051%; no homozygotes.

Submissions (5):

Labcorp Genetics (formerly Invitae), Labcorp
Classification: Uncertain significance for Hereditary pancreatitis. Last evaluated: 2025-09-10. Review status: criteria provided, single submitter. Criteria: Invitae Variant Classification Sherloc (09022015). Collection method: clinical testing. Allele origin: germline.
Comment: This sequence change replaces glycine, which is neutral and non-polar, with arginine, which is basic and polar, at codon 217 of the CTRC protein (p.Gly217Arg). This variant is not present in population databases (gnomAD no frequency). This missense change has been observed in individual(s) with chronic pancreatitis (PMID: 18059268, 18172691, 20625975, 21631589, 22942235). ClinVar contains an entry for this variant (Variation ID: 420177). Invitae Evidence Modeling of protein sequence and biophysical properties (such as structural, functional, and spatial information, amino acid conservation, physicochemical variation, residue mobility, and thermodynamic stability) indicates that this missense variant is expected to disrupt CTRC protein function with a positive predictive value of 95%. Experimental studies have shown that this missense change affects CTRC function (PMID: 22942235). In summary, the available evidence is currently insufficient to determine the role of this variant in disease. Therefore, it has been classified as a Variant of Uncertain Significance.

Ambry Genetics
Classification: Likely pathogenic for Hereditary pancreatitis. Last evaluated: 2025-08-01. Review status: criteria provided, single submitter. Criteria: Ambry Variant Classification Scheme 2023. Collection method: clinical testing. Allele origin: germline.
Comment: The p.G217R pathogenic mutation (also known as c.649G>C), located in coding exon 7 of the CTRC gene, results from a G to C substitution at nucleotide position 649. The glycine at codon 217 is replaced by arginine, an amino acid with dissimilar properties. This variant has been reported in multiple individuals with chronic pancreatitis, but not in control subjects (Rosendahl J et al. Nat Genet, 2008 Jan;40:78-82; Masson E et al. Hum Genet, 2008 Feb;123:83-91; Beer S et al. Gut, 2013 Nov;62:1616-24). The alteration was detected in conjunction with a second alteration in CTRC (Masson E et al. Hum Genet, 2008 Feb;123:83-91; Masson E et al. PLoS One, 2013 Aug;8:e73522). In vitro studies showed that the amino acid substitution results in reduced secretion and catalytic activity and increased trypsin-mediated degradation of the CTRC protein (Beer S et al. Gut, 2013 Nov;62:1616-24). Another alteration at the same codon, p.G217S (c.649G>A), has been detected in individuals with chronic pancreatitis and shown to result in similar deficient protein function (Rosendahl J et al. Nat Genet, 2008 Jan;40:78-82; Masson E et al. Hum Genet, 2008 Feb;123:83-91; Rosendahl J et al. Gut, 2013 Apr;62:582-92; Beer S et al. Gut, 2013 Nov;62:1616-24; Zou WB et al. Clin Transl Gastroenterol, 2018 11;9:204). Internal structural analysis revealed that p.G217R destabilizes the protein structure (Pignol D et al. EMBO J, 1994 Apr;13:1763-71). This amino acid position is highly conserved in available vertebrate species. In addition, this alteration is predicted to be deleterious by in silico analysis. Based on the majority of available evidence to date, this variant is likely to be pathogenic, but may represent a risk factor.

PreventionGenetics, part of Exact Sciences
Classification: Likely pathogenic for CTRC-related condition. Last evaluated: 2025-07-29. Review status: criteria provided, single submitter. Criteria: ACMG Guidelines, 2015. Collection method: clinical testing. Allele origin: germline.
Comment: The CTRC c.649G>C variant is predicted to result in the amino acid substitution p.Gly217Arg. This variant has been reported in several individuals with chronic pancreatitis (CP) (Rosendahl et al. 2008. PubMed ID: 18059268; Masson et al. 2008. PubMed ID: 18172691; Beer et al. 2012. PubMed ID: 22942235). In one of the affected patients, a second risk variant was identified; phase not determined (Masson et al. 2008. PubMed ID: 18172691). An alternate nucleotide change affecting the same genomic position (c.649G>A; p.Gly217Ser) has also been reported in individuals with CP and has been classified as likely pathogenic at PreventionGenetics (Rosendahl et al. 2008 PubMed ID: 18059268; Beer et al. 2012. PubMed ID: 22942235; Internal Data, PreventionGenetics). Functional studies using HEK293 cells indicate that p.Gly217Arg results in a significant reduction in secretion and degradation by trypsin, both suggestive of a loss of function variant (Beer et al. 2013. PubMed ID: 22942235). This variant has not been reported in a large population database (gnomAD), indicating this variant is rare. This variant is interpreted as likely pathogenic.

Mayo Clinic Laboratories, Mayo Clinic
Classification: Likely pathogenic. Last evaluated: 2024-06-19. Review status: criteria provided, single submitter. Criteria: ACMG Guidelines, 2015. Collection method: clinical testing. Allele origin: germline.
Comment: PP3, PM2_moderate, PM5, PS3

GeneDx
Classification: Pathogenic. Last evaluated: 2017-02-11. Review status: criteria provided, single submitter. Criteria: GeneDx Variant Classification (06012015). Collection method: clinical testing. Allele origin: germline. Affected: yes.
Comment: The G217R variant in the CTRC gene has been reported previously in at least two individuals with chronic pancreatitis (Rosendahl et al., 2008; Masson et al., 2008). Functional studies demonstrate that this variant results in decreased protein and enzyme activity, as well as trypsin degradation (Beer et al., 2013). The G217R variant is not observed in large population cohorts (Lek et al., 2016; 1000 Genomes Consortium et al., 2015; Exome Variant Server). This variant is a non-conservative amino acid substitution, which is likely to impact secondary protein structure as these residues differ in polarity, charge, size and/or other properties, and occurs at a position that is conserved across species. A different missense variant at the same codon (G217S) has been previously reported in association with chronic pancreatitis (Masson et al., 2008; Beer et al., 2013; Rosendahl et al., 2013), supporting the functional importance of this position within the protein. We interpret G217R as a pathogenic variant.

Literature cited by the submitters: PubMed 18059268 (cited by 3 submitters); PubMed 18172691 (cited by 3 submitters); PubMed 20625975 (cited by Labcorp Genetics (formerly Invitae), Labcorp); PubMed 21631589 (cited by Labcorp Genetics (formerly Invitae), Labcorp and Mayo Clinic Laboratories, Mayo Clinic); PubMed 22942235 (cited by 3 submitters); PubMed 23951356 (cited by Ambry Genetics and Mayo Clinic Laboratories, Mayo Clinic); PubMed 8168476 (cited by Ambry Genetics and Mayo Clinic Laboratories, Mayo Clinic); PubMed 32948427 (cited by Mayo Clinic Laboratories, Mayo Clinic); PubMed 37949771 (cited by Mayo Clinic Laboratories, Mayo Clinic).